The following is an entry in ClinVar:

ClinVar aggregate classification (germline): Benign/Likely benign. Review status: criteria provided, multiple submitters, no conflicts (2 of 4 stars). 6 submissions from 6 submitters: Benign (2); Likely benign (4). Last evaluated 2026-07-01.

Conditions:
Meier-Gorlin syndrome 1 (MGORS1). Also called: EAR, PATELLA, SHORT STATURE SYNDROME. Identifiers: Orphanet 2554, MedGen C4552001, MONDO:0009143, OMIM 224690.

Allele frequency attached by ClinVar (database versions not stated): gnomAD exomes 0.00224 and 0.00274; ESP Exome Variant Server 0.00238; ExAC 0.00243; gnomAD 0.00269 and 0.00271; 1000 Genomes Project 0.00280; 1000 Genomes Project 30x 0.00297; TOPMed 0.00328.
gnomAD v4.1: 3,771 of 1,614,130 alleles (0.23%); highest among the groups gnomAD compares: Admixed American, 0.52%; 12 homozygotes.

Submissions (6):

CeGaT Center for Human Genetics Tuebingen
Classification: Likely benign. Last evaluated: 2026-07-01. Review status: criteria provided, single submitter. Criteria: CeGaT Center For Human Genetics Tuebingen Variant Classification Criteria Version 2. Collection method: clinical testing. Allele origin: germline. Affected: yes. Observed: 6 variant alleles.
Comment: ORC1: BP4, BP7

Labcorp Genetics (formerly Invitae), Labcorp
Classification: Benign. Last evaluated: 2026-01-27. Review status: criteria provided, single submitter. Criteria: Invitae Variant Classification Sherloc (09022015). Collection method: clinical testing. Allele origin: germline.

Blueprint Genetics
Classification: Likely benign. Last evaluated: 2024-11-22. Review status: criteria provided, single submitter. Criteria: ACMG Guidelines, 2015. Collection method: clinical testing. Allele origin: germline.

Genetic Services Laboratory, University of Chicago
Classification: Benign. Last evaluated: 2019-10-08. Review status: criteria provided, single submitter. Criteria: ACMG Guidelines, 2015. Collection method: clinical testing. Allele origin: germline. Affected: no.

Illumina Laboratory Services, Illumina
Classification: Likely benign for Meier-Gorlin syndrome 1. Last evaluated: 2018-01-12. Review status: criteria provided, single submitter. Criteria: ICSL Variant Classification Criteria 13 December 2019. Collection method: clinical testing. Allele origin: germline.
Comment: This variant was observed in the ICSL laboratory as part of a predisposition screen in an ostensibly healthy population. It had not been previously curated by ICSL or reported in the Human Gene Mutation Database (HGMD: prior to June 1st, 2018), and was therefore a candidate for classification through an automated scoring system. Utilizing variant allele frequency, disease prevalence and penetrance estimates, and inheritance mode, an automated score was calculated to assess if this variant is too frequent to cause the disease. Based on the score and internal cut-off values, a variant classified as likely benign is not then subjected to further curation. The score for this variant resulted in a classification of likely benign for this disease.

Breakthrough Genomics
Classification: Likely benign. Review status: criteria provided, single submitter. Criteria: ACMG Guidelines, 2015. Collection method: not provided. Allele origin: germline. Inheritance: Autosomal recessive inheritance. Affected: yes.

NM_004153.4(ORC1):c.2226C>A (p.Ser742=)

Gene: ORC1 (origin recognition complex subunit 1; minus strand). Cytogenetic location: 1p32.3.
Variant type: single nucleotide variant.
Coding change: c.2226C>A on transcript NM_004153.4 (MANE Select); coding-DNA position 2226, C replaced by A.
Protein change: p.Ser742=; no amino-acid change (serine 742 retained).
Molecular consequence: synonymous variant.
Genome position (GRCh38, 1-based): chr1:52,375,507, G>T on the plus strand (C>A on the coding strand, the complement: ORC1 is on the minus strand). VCF-style: chr1-52375507-G-T. GRCh37 (hg19) VCF-style: chr1-52841179-G-T.
Other names: c.2226C>A, p.Ser742= (NM_001190818.2); c.2211C>A, p.Ser737= (NM_001190819.2).
Identifiers: ClinVar variation 436112 (VCV000436112.46), dbSNP rs34644009, ClinGen allele CA853092.